The following is an entry in ClinVar:

ClinVar aggregate classification (germline): Uncertain significance (1 of 4 stars; one submission).

Conditions:
Inborn genetic diseases. Identifiers: MedGen C0950123, MeSH D030342.

Submission:

Ambry Genetics
Classification: Uncertain significance for Inborn genetic diseases. Last evaluated: 2025-10-26. Review status: criteria provided, single submitter. Criteria: Ambry Variant Classification Scheme 2023. Collection method: clinical testing. Allele origin: germline.
Comment: The p.S785P variant (also known as c.2353T>C), located in coding exon 25 of the RTEL1 gene, results from a T to C substitution at nucleotide position 2353. The serine at codon 785 is replaced by proline, an amino acid with similar properties. This amino acid position is conserved. In addition, the in silico prediction for this alteration is inconclusive. Based on the available evidence, the clinical significance of this variant remains unclear.

NM_001283009.2(RTEL1):c.2353T>C (p.Ser785Pro)

Genes: RTEL1 (regulator of telomere elongation helicase 1; plus strand), RTEL1-TNFRSF6B (RTEL1-TNFRSF6B readthrough (NMD candidate); plus strand). Cytogenetic location: 20q13.33.
Variant type: single nucleotide variant.
Coding change: c.2353T>C on transcript NM_001283009.2 (MANE Select); coding-DNA position 2353, T replaced by C.
Protein change: p.Ser785Pro; replaces serine 785 with proline.
Molecular consequence: missense variant. On other transcripts: non-coding transcript variant (1).
Genome position (GRCh38, 1-based): chr20:63,690,381, T>C. VCF-style: chr20-63690381-T-C. GRCh37 (hg19) VCF-style: chr20-62321734-T-C.
Other names: c.1684T>C, p.Ser562Pro (NM_001283010.1); c.2353T>C, p.Ser785Pro (NM_016434.4); c.2425T>C, p.Ser809Pro (NM_032957.5); short protein forms S785P, S809P, S562P.
Identifiers: ClinVar variation 4629572 (VCV004629572.1).